The following is an entry in ClinVar:

NM_000213.5(ITGB4):c.1675A>G (p.Met559Val)

Gene: ITGB4 (integrin subunit beta 4; plus strand). Cytogenetic location: 17q25.1.
Variant type: single nucleotide variant.
Coding change: c.1675A>G on transcript NM_000213.5 (MANE Select); coding-DNA position 1675, A replaced by G.
Protein change: p.Met559Val; replaces methionine 559 with valine.
Molecular consequence: missense variant.
Genome position (GRCh38, 1-based): chr17:75,736,068, A>G. VCF-style: chr17-75736068-A-G. GRCh37 (hg19) VCF-style: chr17-73732149-A-G.
Other names: c.1675A>G, p.Met559Val (NM_001005619.2, NM_001005731.3, NM_001321123.2); short protein forms M559V.
Identifiers: ClinVar variation 1985702 (VCV001985702.4), dbSNP rs547605316, ClinGen allele CA8769100.
Genomic context (GRCh38, chr17:75,736,068, plus strand): 5'-CACAGATGTAGCTCTCATCTCCCTTCCTTGTCCCTCTCTGCAGACCGAGGACGCTGCTCC[A>G]TGGGCCAGTGTGTGTGTGAGCCTGGTTGGACAGGCCCAAGCTGTGACTGTCCCCTCAGCA-3'
Protein context (NP_000204.3, residues 549-569): FLCNDRGRCS[Met559Val]GQCVCEPGWT

ClinVar aggregate classification (germline): Uncertain significance. Review status: criteria provided, multiple submitters, no conflicts (2 of 4 stars). 2 submissions from 2 submitters: Uncertain significance (2). Last evaluated 2022-10-19.

Allele frequency attached by ClinVar (database versions not stated): gnomAD 0.00001; gnomAD exomes 0.00002; ExAC 0.00005; 1000 Genomes Project 30x 0.00016; 1000 Genomes Project 0.00020.
gnomAD v4.1: 27 of 1,614,110 alleles (0.0017%); highest among the groups gnomAD compares: South Asian, 0.026%; no homozygotes.

Submissions (2):

Labcorp Genetics (formerly Invitae), Labcorp
Classification: Uncertain significance. Last evaluated: 2022-10-19. Review status: criteria provided, single submitter. Criteria: Invitae Variant Classification Sherloc (09022015). Collection method: clinical testing. Allele origin: germline.
Comment: This sequence change replaces methionine, which is neutral and non-polar, with valine, which is neutral and non-polar, at codon 559 of the ITGB4 protein (p.Met559Val). This variant is present in population databases (rs547605316, gnomAD 0.05%). This variant has not been reported in the literature in individuals affected with ITGB4-related conditions. Advanced modeling of protein sequence and biophysical properties (such as structural, functional, and spatial information, amino acid conservation, physicochemical variation, residue mobility, and thermodynamic stability) performed at Invitae indicates that this missense variant is not expected to disrupt ITGB4 protein function. In summary, the available evidence is currently insufficient to determine the role of this variant in disease. Therefore, it has been classified as a Variant of Uncertain Significance.

Revvity Omics, Revvity
Classification: Uncertain significance. Last evaluated: 2019-04-01. Review status: criteria provided, single submitter. Criteria: ACMG Guidelines, 2015. Collection method: clinical testing. Allele origin: germline.